The following is an entry in ClinVar:

ClinVar aggregate classification (germline): Uncertain significance (1 of 4 stars; one submission).

Allele frequency attached by ClinVar (database versions not stated): TOPMed below 0.00001; gnomAD 0.00001; gnomAD exomes below 0.00001.
gnomAD v4.1: 3 of 1,614,046 alleles (0.00019%); highest among the groups gnomAD compares: Admixed American, 0.005%; no homozygotes.

Submission:

Labcorp Genetics (formerly Invitae), Labcorp
Classification: Uncertain significance. Last evaluated: 2024-10-16. Review status: criteria provided, single submitter. Criteria: Invitae Variant Classification Sherloc (09022015). Collection method: clinical testing. Allele origin: germline.
Comment: This sequence change replaces tryptophan, which is neutral and slightly polar, with arginine, which is basic and polar, at codon 14 of the CD46 protein (p.Trp14Arg). This variant is not present in population databases (gnomAD no frequency). This variant has not been reported in the literature in individuals affected with CD46-related conditions. ClinVar contains an entry for this variant (Variation ID: 1503301). An algorithm developed to predict the effect of missense changes on protein structure and function outputs the following: PolyPhen-2: "Benign". The arginine amino acid residue is found in multiple mammalian species, which suggests that this missense change does not adversely affect protein function. In summary, the available evidence is currently insufficient to determine the role of this variant in disease. Therefore, it has been classified as a Variant of Uncertain Significance.

NM_172351.3(CD46):c.40T>C (p.Trp14Arg)

Genes: CD46 (CD46 molecule; plus strand), LOC129932405 (ATAC-STARR-seq lymphoblastoid active region 2449; plus strand). Cytogenetic location: 1q32.2.
Variant type: single nucleotide variant.
Coding change: c.40T>C on transcript NM_172351.3 (MANE Select); coding-DNA position 40, T replaced by C.
Protein change: p.Trp14Arg; replaces tryptophan 14 with arginine.
Molecular consequence: missense variant.
Genome position (GRCh38, 1-based): chr1:207,752,252, T>C. VCF-style: chr1-207752252-T-C. GRCh37 (hg19) VCF-style: chr1-207925597-T-C.
Other names: c.40T>C, p.Trp14Arg (NM_002389.4, NM_153826.4, NM_172350.3 and 8 more transcripts); short protein forms W14R.
Identifiers: ClinVar variation 1503301 (VCV001503301.8), dbSNP rs1654993696, ClinGen allele CA344547766.